The following is an entry in ClinVar:

NM_000094.4(COL7A1):c.2275G>A (p.Gly759Ser)

Gene: COL7A1 (collagen type VII alpha 1 chain; minus strand). Cytogenetic location: 3p21.31.
Variant type: single nucleotide variant.
Coding change: c.2275G>A on transcript NM_000094.4 (MANE Select); coding-DNA position 2275, G replaced by A.
Protein change: p.Gly759Ser; replaces glycine 759 with serine.
Molecular consequence: missense variant.
Genome position (GRCh38, 1-based): chr3:48,589,366, C>T on the plus strand (G>A on the coding strand, the complement: COL7A1 is on the minus strand). VCF-style: chr3-48589366-C-T. GRCh37 (hg19) VCF-style: chr3-48626799-C-T.
Other names: short protein forms G759S.
Identifiers: ClinVar variation 2701583 (VCV002701583.3), dbSNP rs1575482667, ClinGen allele CA352723945.

ClinVar aggregate classification (germline): Uncertain significance (1 of 4 stars; one submission).

Submission:

Labcorp Genetics (formerly Invitae), Labcorp
Classification: Uncertain significance. Last evaluated: 2024-01-08. Review status: criteria provided, single submitter. Criteria: Invitae Variant Classification Sherloc (09022015). Collection method: clinical testing. Allele origin: germline.
Comment: This sequence change replaces glycine, which is neutral and non-polar, with serine, which is neutral and polar, at codon 759 of the COL7A1 protein (p.Gly759Ser). This variant is not present in population databases (gnomAD no frequency). This variant has not been reported in the literature in individuals affected with COL7A1-related conditions. Advanced modeling of protein sequence and biophysical properties (such as structural, functional, and spatial information, amino acid conservation, physicochemical variation, residue mobility, and thermodynamic stability) performed at Invitae indicates that this missense variant is not expected to disrupt COL7A1 protein function with a negative predictive value of 95%. In summary, the available evidence is currently insufficient to determine the role of this variant in disease. Therefore, it has been classified as a Variant of Uncertain Significance.